The following is an entry in ClinVar:

ClinVar aggregate classification (germline): Uncertain significance (1 of 4 stars; one submission).

Allele frequency attached by ClinVar (database versions not stated): ExAC 0.00001; gnomAD 0.00001; TOPMed 0.00002; gnomAD exomes 0.00005.

Submission:

Labcorp Genetics (formerly Invitae), Labcorp
Classification: Uncertain significance. Last evaluated: 2022-07-22. Review status: criteria provided, single submitter. Criteria: Invitae Variant Classification Sherloc (09022015). Collection method: clinical testing. Allele origin: germline.
Comment: This sequence change replaces tyrosine, which is neutral and polar, with cysteine, which is neutral and slightly polar, at codon 446 of the LCA5 protein (p.Tyr446Cys). This variant is present in population databases (rs760507515, gnomAD 0.002%). This variant has not been reported in the literature in individuals affected with LCA5-related conditions. Algorithms developed to predict the effect of missense changes on protein structure and function output the following: SIFT: "Deleterious"; PolyPhen-2: "Benign"; Align-GVGD: "Class C0". The cysteine amino acid residue is found in multiple mammalian species, which suggests that this missense change does not adversely affect protein function. In summary, the available evidence is currently insufficient to determine the role of this variant in disease. Therefore, it has been classified as a Variant of Uncertain Significance.

NM_001122769.3(LCA5):c.1337A>G (p.Tyr446Cys)

Gene: LCA5 (lebercilin LCA5; minus strand). Cytogenetic location: 6q14.1.
Variant type: single nucleotide variant.
Coding change: c.1337A>G on transcript NM_001122769.3 (MANE Select); coding-DNA position 1337, A replaced by G.
Protein change: p.Tyr446Cys; replaces tyrosine 446 with cysteine.
Molecular consequence: missense variant.
Genome position (GRCh38, 1-based): chr6:79,487,761, T>C on the plus strand (A>G on the coding strand, the complement: LCA5 is on the minus strand). VCF-style: chr6-79487761-T-C. GRCh37 (hg19) VCF-style: chr6-80197478-T-C.
Other names: c.1337A>G, p.Tyr446Cys (NM_181714.4); short protein forms Y446C.
Identifiers: ClinVar variation 2050940 (VCV002050940.1), dbSNP rs760507515, ClinGen allele CA3900842.